The following is an entry in ClinVar:

NM_000690.4(ALDH2):c.350C>T (p.Thr117Ile)

Gene: ALDH2 (aldehyde dehydrogenase 2 family member; plus strand). Cytogenetic location: 12q24.12.
Variant type: single nucleotide variant.
Coding change: c.350C>T on transcript NM_000690.4 (MANE Select); coding-DNA position 350, C replaced by T.
Protein change: p.Thr117Ile; replaces threonine 117 with isoleucine.
Molecular consequence: missense variant. On other transcripts: intron variant (1).
Genome position (GRCh38, 1-based): chr12:111,783,288, C>T. VCF-style: chr12-111783288-C-T. GRCh37 (hg19) VCF-style: chr12-112221092-C-T.
Other names: c.219+1266C>T (NM_001204889.2); short protein forms T117I.
Identifiers: ClinVar variation 1050241 (VCV001050241.1), dbSNP rs2068287072, ClinGen allele CA386741535.

ClinVar aggregate classification (germline): Uncertain significance (0 of 4 stars; one submission).

Allele frequency attached by ClinVar (database versions not stated): gnomAD exomes below 0.00001.
gnomAD v4.1: 1 of 1,607,706 alleles (0.000062%); highest among the groups gnomAD compares: Non-Finnish European, 0.000085%; no homozygotes.

Submission:

Department of Pathology and Laboratory Medicine, Sinai Health System
Classification: Uncertain significance. Review status: no assertion criteria provided. Collection method: clinical testing. Allele origin: unknown. Affected: yes. Study: The Canadian Open Genetics Repository (COGR).
Comment: The ALDH2 p.Thr117Ile variant was not identified in the literature nor was it identified in dbSNP, ClinVar, Cosmic or LOVD 3.0. The variant was also not identified in the following control databases: the 1000 Genomes Project, the NHLBI GO Exome Sequencing Project, the Exome Aggregation Consortium (August 8th 2016), or the Genome Aggregation Database (Feb 27, 2017). The variant occurs outside of the splicing consensus sequence and in silico or computational prediction software programs (SpliceSiteFinder, MaxEntScan, NNSPLICE, GeneSplicer) do not predict a difference in splicing. The p.Thr117 residue is conserved in mammals but not distantly related organisms and computational analyses (PolyPhen-2, SIFT, AlignGVGD, BLOSUM, MutationTaster) provide inconsistent predictions regarding the impact to the protein; this information is not very predictive of pathogenicity. In summary, based on the above information the clinical significance of this variant cnanot be determined with certainty at this time. This variant is classified as a variant of unknown significance